The following is an entry in ClinVar:

ClinVar aggregate classification (germline): Benign/Likely benign. Review status: criteria provided, multiple submitters, no conflicts (2 of 4 stars). 5 submissions from 5 submitters: Benign (1); Likely benign (4). Last evaluated 2025-03-18.

Conditions:
Pheochromocytoma/paraganglioma syndrome 1. Also called: PARAGANGLIOMATA; Paragangliomas 1; Glomus tumors familial 1; Paraganglioma - glomus jugulare; SDHD-Related Hereditary Paraganglioma-Pheochromocytoma Syndrome; PARAGANGLIOMAS, FAMILIAL NONCHROMAFFIN, 1. Identifiers: Orphanet 29072, MedGen C3494181, MONDO:0008192, OMIM 168000.
Hereditary pheochromocytoma and paraganglioma. Also called: Hereditary paragangliomas and pheochromocytomas; Hereditary pheochromocytoma-paraganglioma; Hereditary Paraganglioma-Pheochromocytoma Syndromes. Identifiers: Orphanet 29072, MedGen C4274332, MONDO:0017366.
Carney-Stratakis syndrome. Also called: PARAGANGLIOMA AND GASTROINTESTINAL STROMAL TUMOR. Identifiers: Orphanet 97286, MedGen C1847319, MONDO:0011740, OMIM 606864.
Paragangliomas with sensorineural hearing loss. Identifiers: MedGen C1868633.
Pheochromocytoma. Also called: MAX-Related Hereditary Paraganglioma-Pheochromocytoma Syndrome. Identifiers: Orphanet 29072, MedGen C0031511, MONDO:0008233, OMIM 171300, HP:0002666.
Cowden syndrome 3 (CWS3). Identifiers: Orphanet 201, MedGen CN166604, MONDO:0014045.
Hereditary cancer-predisposing syndrome. Also called: Tumor predisposition; Neoplastic Syndromes, Hereditary; Hereditary Cancer Syndrome; Hereditary neoplastic syndrome. Identifiers: Orphanet 140162, MedGen C0027672, MeSH D009386, MONDO:0015356.

Allele frequency attached by ClinVar (database versions not stated): TOPMed 0.00002.
gnomAD v4.1: 1 of 1,612,080 alleles (0.000062%); highest among the groups gnomAD compares: Non-Finnish European, 0.000085%; no homozygotes.

Submissions (5):

Myriad Genetics, Inc.
Classification: Benign for Pheochromocytoma/paraganglioma syndrome 1. Last evaluated: 2025-03-18. Review status: criteria provided, single submitter. Criteria: Myriad Autosomal Dominant, Autosomal Recessive and X-Linked Classification Criteria (2023). Collection method: clinical testing. Allele origin: unknown.
Comment: This variant is considered benign. This variant is a silent/synonymous amino acid change and it is not expected to impact splicing.

Labcorp Genetics (formerly Invitae), Labcorp
Classification: Likely benign for Carney-Stratakis syndrome; Paragangliomas with sensorineural hearing loss; Pheochromocytoma; Cowden syndrome 3. Last evaluated: 2023-12-12. Review status: criteria provided, single submitter. Criteria: Invitae Variant Classification Sherloc (09022015). Collection method: clinical testing. Allele origin: germline.

All of Us Research Program, National Institutes of Health
Classification: Likely benign for Hereditary pheochromocytoma and paraganglioma. Last evaluated: 2023-04-28. Review status: criteria provided, single submitter. Criteria: ACMG Guidelines, 2015. Collection method: clinical testing. Allele origin: germline. Inheritance: Autosomal dominant inheritance. Observed: 2 variant alleles, 2 heterozygotes.
Comment: This study involves interpretation of variants in research participants for the purpose of population health screening. Participant phenotype was not available at the time of variant classification. Additional details can be found in publication PMID: 35346344, PMCID: PMC8962531

Color Diagnostics, LLC DBA Color Health
Classification: Likely benign for Hereditary pheochromocytoma and paraganglioma. Last evaluated: 2022-11-06. Review status: criteria provided, single submitter. Criteria: ACMG Guidelines, 2015. Collection method: clinical testing. Allele origin: germline.

Ambry Genetics
Classification: Likely benign for Hereditary cancer-predisposing syndrome. Last evaluated: 2022-02-07. Review status: criteria provided, single submitter. Criteria: Ambry Variant Classification Scheme 2023. Collection method: clinical testing. Allele origin: germline.

NM_003002.4(SDHD):c.354T>C (p.Asp118=)

Gene: SDHD (succinate dehydrogenase complex subunit D; plus strand). Cytogenetic location: 11q23.1.
Variant type: single nucleotide variant.
Coding change: c.354T>C on transcript NM_003002.4 (MANE Select); coding-DNA position 354, T replaced by C.
Protein change: p.Asp118=; no amino-acid change (aspartic acid 118 retained).
Molecular consequence: synonymous variant. On other transcripts: missense variant (1), 3 prime UTR variant (1), non-coding transcript variant (1).
Genome position (GRCh38, 1-based): chr11:112,094,844, T>C. VCF-style: chr11-112094844-T-C. GRCh37 (hg19) VCF-style: chr11-111965568-T-C.
Other names: c.209T>C, p.Met70Thr (NM_001276503.2); c.237T>C, p.Asp79= (NM_001276504.2); c.*52T>C (NM_001276506.2); short protein forms M70T.
Identifiers: ClinVar variation 1158878 (VCV001158878.15), dbSNP rs911663426, ClinGen allele CA228555645.